The following is an entry in ClinVar:

ClinVar aggregate classification (germline): Uncertain significance (1 of 4 stars; one submission).

gnomAD v4.1: 2 of 1,613,594 alleles (0.00012%); highest among the groups gnomAD compares: Non-Finnish European, 0.00017%; no homozygotes.

Submission:

Labcorp Genetics (formerly Invitae), Labcorp
Classification: Uncertain significance. Last evaluated: 2026-01-26. Review status: criteria provided, single submitter. Criteria: Invitae Variant Classification Sherloc (09022015). Collection method: clinical testing. Allele origin: germline.
Comment: This sequence change replaces isoleucine, which is neutral and non-polar, with valine, which is neutral and non-polar, at codon 91 of the PSMA3 protein (p.Ile91Val). This variant is not present in population databases (gnomAD no frequency). This variant has not been reported in the literature in individuals affected with PSMA3-related conditions. An algorithm developed to predict the effect of missense changes on protein structure and function (PolyPhen-2) suggests that this variant is likely to be tolerated. In summary, the available evidence is currently insufficient to determine the role of this variant in disease. Therefore, it has been classified as a Variant of Uncertain Significance.

NM_002788.4(PSMA3):c.271A>G (p.Ile91Val)

Gene: PSMA3 (proteasome 20S subunit alpha 3; plus strand). Cytogenetic location: 14q23.1.
Variant type: single nucleotide variant.
Coding change: c.271A>G on transcript NM_002788.4 (MANE Select); coding-DNA position 271, A replaced by G.
Protein change: p.Ile91Val; replaces isoleucine 91 with valine.
Molecular consequence: missense variant. On other transcripts: non-coding transcript variant (1).
Genome position (GRCh38, 1-based): chr14:58,257,787, A>G. VCF-style: chr14-58257787-A-G. GRCh37 (hg19) VCF-style: chr14-58724505-A-G.
Other names: c.271A>G, p.Ile91Val (NM_152132.3); short protein forms I91V.
Identifiers: ClinVar variation 4702372 (VCV004702372.1).